The following is an entry in ClinVar:

NM_006904.7(PRKDC):c.8716C>G (p.Pro2906Ala)

Genes: PRKDC (protein kinase, DNA-activated, catalytic subunit; minus strand), LOC121740717 (Sharpr-MPRA regulatory region 7649; plus strand). Cytogenetic location: 8q11.21.
Variant type: single nucleotide variant.
Coding change: c.8716C>G on transcript NM_006904.7 (MANE Select); coding-DNA position 8716, C replaced by G.
Protein change: p.Pro2906Ala; replaces proline 2906 with alanine.
Molecular consequence: missense variant.
Genome position (GRCh38, 1-based): chr8:47,826,723, G>C on the plus strand (C>G on the coding strand, the complement: PRKDC is on the minus strand). VCF-style: chr8-47826723-G-C. GRCh37 (hg19) VCF-style: chr8-48739284-G-C.
Other names: c.8716C>G, p.Pro2906Ala (NM_001081640.2); short protein forms P2906A.
Identifiers: ClinVar variation 2626362 (VCV002626362.2), dbSNP rs2551866132, ClinGen allele CA371143678.

ClinVar aggregate classification (germline): Uncertain significance (1 of 4 stars; one submission).

Submission:

Ambry Genetics
Classification: Uncertain significance. Last evaluated: 2023-09-05. Review status: criteria provided, single submitter. Criteria: Ambry Variant Classification Scheme 2023. Collection method: clinical testing. Allele origin: germline.
Comment: The p.P2906A variant (also known as c.8716C>G), located in coding exon 63 of the PRKDC gene, results from a C to G substitution at nucleotide position 8716. The proline at codon 2906 is replaced by alanine, an amino acid with highly similar properties. This amino acid position is conserved. In addition, this alteration is predicted to be tolerated by in silico analysis. Since supporting evidence is limited at this time, the clinical significance of this alteration remains unclear.